The following is an entry in ClinVar:

ClinVar aggregate classification (germline): Uncertain significance. Review status: criteria provided, multiple submitters, no conflicts (2 of 4 stars). 2 submissions from 2 submitters: Uncertain significance (2). Last evaluated 2024-10-26.

Conditions:
Epidermolysis bullosa simplex with nail dystrophy (EBS5D). Identifiers: MedGen C4225309, MONDO:0014661, OMIM 616487.
Epidermolysis bullosa simplex, Ogna type (EBS5A). Also called: Pidermolysis bullosa simplex 5A, Ogna type; EPIDERMOLYSIS BULLOSA SIMPLEX 5A, OGNA TYPE. Identifiers: Orphanet 79401, MedGen C0432317, MONDO:0007555, OMIM 131950.
Autosomal recessive limb-girdle muscular dystrophy type 2Q (LGMDR17). Also called: MUSCULAR DYSTROPHY, LIMB-GIRDLE, AUTOSOMAL RECESSIVE 17. Identifiers: Orphanet 254361, MedGen C3150989, MONDO:0013390, OMIM 613723.
Epidermolysis bullosa simplex 5B, with muscular dystrophy (EBS5B). Also called: Epidermolysis bullosa simplex with muscular dystrophy; EPIDERMOLYSIS BULLOSA SIMPLEX AND LIMB-GIRDLE MUSCULAR DYSTROPHY. Identifiers: Orphanet 257, MedGen C2931072, MONDO:0009181, OMIM 226670.
Epidermolysis bullosa simplex 5C, with pyloric atresia (EBS5C). Also called: PLEC-Related Epidermolysis Bullosa with Pyloric Atresia; Epidermolysis bullosa simplex with pyloric atresia; PLEC1-Related Epidermolysis Bullosa with Pyloric Atresia. Identifiers: Orphanet 158684, MedGen C2677349, MONDO:0012807, OMIM 612138.
Inborn genetic diseases. Identifiers: MedGen C0950123, MeSH D030342.

Allele frequency attached by ClinVar (database versions not stated): ExAC 0.00001.
gnomAD v4.1: 2 of 1,610,008 alleles (0.00012%); highest among the groups gnomAD compares: Non-Finnish European, 0.000085%; no homozygotes.

Submissions (2):

Labcorp Genetics (formerly Invitae), Labcorp
Classification: Uncertain significance for Autosomal recessive limb-girdle muscular dystrophy type 2Q; Epidermolysis bullosa simplex, Ogna type; Epidermolysis bullosa simplex with nail dystrophy; Epidermolysis bullosa simplex 5C, with pyloric atresia; Epidermolysis bullosa simplex 5B, with muscular dystrophy. Last evaluated: 2024-10-26. Review status: criteria provided, single submitter. Criteria: Invitae Variant Classification Sherloc (09022015). Collection method: clinical testing. Allele origin: germline.
Comment: This sequence change replaces proline, which is neutral and non-polar, with serine, which is neutral and polar, at codon 30 of the PLEC protein (p.Pro30Ser). The frequency data for this variant in the population databases is considered unreliable, as metrics indicate poor data quality at this position in the gnomAD database. This variant has not been reported in the literature in individuals affected with PLEC-related conditions. ClinVar contains an entry for this variant (Variation ID: 2091023). Experimental studies and prediction algorithms are not available or were not evaluated, and the functional significance of this variant is currently unknown. In summary, the available evidence is currently insufficient to determine the role of this variant in disease. Therefore, it has been classified as a Variant of Uncertain Significance.

Ambry Genetics
Classification: Uncertain significance for Inborn genetic diseases. Last evaluated: 2021-09-27. Review status: criteria provided, single submitter. Criteria: Ambry Variant Classification Scheme 2023. Collection method: clinical testing. Allele origin: germline.

NM_000445.5(PLEC):c.88C>T (p.Pro30Ser)

Gene: PLEC (plectin; minus strand). Cytogenetic location: 8q24.3.
Variant type: single nucleotide variant.
Coding change: c.88C>T on transcript NM_000445.5; coding-DNA position 88, C replaced by T.
Protein change: p.Pro30Ser; replaces proline 30 with serine.
Molecular consequence: missense variant.
Genome position (GRCh38, 1-based): chr8:143,975,282, G>A on the plus strand (C>T on the coding strand, the complement: PLEC is on the minus strand). VCF-style: chr8-143975282-G-A. GRCh37 (hg19) VCF-style: chr8-145049450-G-A.
Other names: c.88C>T, p.Pro30Ser (NM_001410941.1); short protein forms P30S.
Identifiers: ClinVar variation 2091023 (VCV002091023.5), dbSNP rs782457026, ClinGen allele CA4929164.